The following is an entry in ClinVar:

ClinVar aggregate classification (germline): Benign. Review status: criteria provided, multiple submitters, no conflicts (2 of 4 stars). 2 submissions from 2 submitters: Benign (2). Last evaluated 2018-01-13.

Conditions:
Erythrocytosis, familial, 4 (ECYT4). Identifiers: Orphanet 247511, MedGen C2673187, MONDO:0012729, OMIM 611783.

Allele frequency attached by ClinVar (database versions not stated): 1000 Genomes Project 0.00519; gnomAD 0.01505 and 0.01554; TOPMed 0.01561; 1000 Genomes Project 30x 0.00515.

Submissions (2):

Illumina Laboratory Services, Illumina
Classification: Benign for Erythrocytosis, familial, 4. Last evaluated: 2018-01-13. Review status: criteria provided, single submitter. Criteria: ICSL Variant Classification Criteria 13 December 2019. Collection method: clinical testing. Allele origin: germline.
Comment: This variant was observed in the ICSL laboratory as part of a predisposition screen in an ostensibly healthy population. It had not been previously curated by ICSL or reported in the Human Gene Mutation Database (HGMD: prior to June 1st, 2018), and was therefore a candidate for classification through an automated scoring system. Utilizing variant allele frequency, disease prevalence and penetrance estimates, and inheritance mode, an automated score was calculated to assess if this variant is too frequent to cause the disease. Based on the score and internal cut-off values, a variant classified as benign is not then subjected to further curation. The score for this variant resulted in a classification of benign for this disease.

Breakthrough Genomics
Classification: Benign. Review status: criteria provided, single submitter. Criteria: ACMG Guidelines, 2015. Collection method: not provided. Allele origin: germline. Inheritance: Autosomal dominant inheritance. Affected: yes.

NM_001430.5(EPAS1):c.*354G>C

Gene: EPAS1 (endothelial PAS domain protein 1; plus strand). Cytogenetic location: 2p21.
Variant type: single nucleotide variant.
Coding change: c.*354G>C on transcript NM_001430.5 (MANE Select); 354 bases downstream of the stop codon, G replaced by C.
Molecular consequence: 3 prime UTR variant.
Genome position (GRCh38, 1-based): chr2:46,385,014, G>C. VCF-style: chr2-46385014-G-C. GRCh37 (hg19) VCF-style: chr2-46612153-G-C.
Identifiers: ClinVar variation 336289 (VCV000336289.6), dbSNP rs116385387, ClinGen allele CA10615636.